The following is an entry in ClinVar:

ClinVar aggregate classification (germline): Uncertain significance (1 of 4 stars; one submission).

Conditions:
Neuroblastoma, susceptibility to, 3. Also called: ALK-Related Neuroblastic Tumor Susceptibility. Identifiers: Orphanet 635, MedGen C2751681, MONDO:0013083, OMIM 613014.

Submission:

Labcorp Genetics (formerly Invitae), Labcorp
Classification: Uncertain significance for Neuroblastoma, susceptibility to, 3. Last evaluated: 2022-11-04. Review status: criteria provided, single submitter. Criteria: Invitae Variant Classification Sherloc (09022015). Collection method: clinical testing. Allele origin: germline.
Comment: In summary, the available evidence is currently insufficient to determine the role of this variant in disease. Therefore, it has been classified as a Variant of Uncertain Significance. Experimental studies and prediction algorithms are not available or were not evaluated, and the functional significance of this variant is currently unknown. This variant has not been reported in the literature in individuals affected with ALK-related conditions. This variant is not present in population databases (gnomAD no frequency). This variant, c.2262_2273del, results in the deletion of 4 amino acid(s) of the ALK protein (p.His755_Ser758del), but otherwise preserves the integrity of the reading frame.

NM_004304.5(ALK):c.2262_2273del (p.His755_Ser758del)

Gene: ALK (ALK receptor tyrosine kinase; minus strand). Cytogenetic location: 2p23.2.
Variant type: Deletion.
Coding change: c.2262_2273del on transcript NM_004304.5 (MANE Select); coding-DNA positions 2262 to 2273, 12 bases deleted (CCACGGCGTGTC).
Protein change: p.His755_Ser758del.
Molecular consequence: inframe deletion.
Genome position (GRCh38, 1-based): chr2:29,239,762-29,239,773, GACACGCCGTGG deleted on the plus strand (CCACGGCGTGTC on the coding strand, the reverse complement: ALK is on the minus strand); deleting any 12 consecutive bases within chr2:29,239,762-29,239,776 gives the same sequence; the c. name uses the placement nearest the transcript's 3' end. VCF-style (leftmost placement, unchanged base first): chr2-29239761-AGACACGCCGTGG-A. GRCh37 (hg19) VCF-style: chr2-29462627-AGACACGCCGTGG-A.
Identifiers: ClinVar variation 2157983 (VCV002157983.4), dbSNP rs1173669114, ClinGen allele CA767502149.
Genomic context (GRCh38, chr2:29,239,761, plus strand): 5'-CTGCTGCCCAACCAGGATGTACAGCATGTCATCCTTCTCCAGGTTGAAGATGCCCAGCAC[AGACACGCCGTGG>A]GACCGCATCATGGTGTTCTTCCCGCCTTTCCCGCCAGCAGCTCCGTAGCCCGAGATGCTG-3'